The following is an entry in ClinVar:

ClinVar aggregate classification (germline): Uncertain significance. Review status: criteria provided, multiple submitters, no conflicts (2 of 4 stars). 3 submissions from 3 submitters: Uncertain significance (3). Last evaluated 2024-06-17.

Conditions:
Retinal dystrophy. Also called: Inherited retinal dystrophy. Identifiers: Orphanet 71862, MedGen C0854723, MeSH D058499, MONDO:0019118, HP:0000556.

Allele frequency attached by ClinVar (database versions not stated): TOPMed 0.00002; gnomAD 0.00003.
gnomAD v4.1: 19 of 1,587,030 alleles (0.0012%); highest among the groups gnomAD compares: East Asian, 0.011%; no homozygotes.

Submissions (3):

Ambry Genetics
Classification: Uncertain significance. Last evaluated: 2024-06-17. Review status: criteria provided, single submitter. Criteria: Ambry Variant Classification Scheme 2023. Collection method: clinical testing. Allele origin: germline.

Labcorp Genetics (formerly Invitae), Labcorp
Classification: Uncertain significance. Last evaluated: 2023-10-30. Review status: criteria provided, single submitter. Criteria: Invitae Variant Classification Sherloc (09022015). Collection method: clinical testing. Allele origin: germline.
Comment: This sequence change replaces arginine, which is basic and polar, with glutamine, which is neutral and polar, at codon 1164 of the DHX38 protein (p.Arg1164Gln). The frequency data for this variant in the population databases is considered unreliable, as metrics indicate poor data quality at this position in the gnomAD database. This variant has not been reported in the literature in individuals affected with DHX38-related conditions. ClinVar contains an entry for this variant (Variation ID: 1496909). Advanced modeling of protein sequence and biophysical properties (such as structural, functional, and spatial information, amino acid conservation, physicochemical variation, residue mobility, and thermodynamic stability) performed at Invitae indicates that this missense variant is not expected to disrupt DHX38 protein function with a negative predictive value of 80%. In summary, the available evidence is currently insufficient to determine the role of this variant in disease. Therefore, it has been classified as a Variant of Uncertain Significance.

Dept Of Ophthalmology, Nagoya University
Classification: Uncertain significance for Retinal dystrophy. Last evaluated: 2023-10-01. Review status: criteria provided, single submitter. Criteria: Submitter's publication. Collection method: research. Allele origin: germline. Affected: yes.

NM_014003.4(DHX38):c.3491G>A (p.Arg1164Gln)

Gene: DHX38 (DEAH-box helicase 38; plus strand). Cytogenetic location: 16q22.2.
Variant type: single nucleotide variant.
Coding change: c.3491G>A on transcript NM_014003.4 (MANE Select); coding-DNA position 3491, G replaced by A.
Protein change: p.Arg1164Gln; replaces arginine 1164 with glutamine.
Molecular consequence: missense variant.
Genome position (GRCh38, 1-based): chr16:72,110,969, G>A. VCF-style: chr16-72110969-G-A. GRCh37 (hg19) VCF-style: chr16-72144868-G-A.
Other names: c.3491G>A (NM_014003.3); short protein forms R1164Q.
Identifiers: ClinVar variation 1496909 (VCV001496909.10), dbSNP rs1051798890, ClinGen allele CA283693872.